The following is an entry in ClinVar:

ClinVar aggregate classification (germline): Likely benign. Review status: criteria provided, single submitter (1 of 4 stars). 2 submissions from 2 submitters: Likely benign (1). 1 of the submissions does not count toward it. Last evaluated 2020-04-27.

Conditions:
NOTCH3-related disorder. Also called: NOTCH3-related disorders; NOTCH3-related condition.

Allele frequency attached by ClinVar (database versions not stated): gnomAD exomes 0.00001 and 0.00002; TOPMed 0.00008; gnomAD 0.00006 and 0.00005; ExAC below 0.00001.
gnomAD v4.1: 24 of 1,569,510 alleles (0.0015%); highest among the groups gnomAD compares: African/African-American, 0.016%; no homozygotes.

Submissions (2):

Athena Diagnostics
Classification: Likely benign. Last evaluated: 2020-04-27. Review status: criteria provided, single submitter. Criteria: Athena Diagnostics Criteria. Collection method: clinical testing. Allele origin: unknown.

PreventionGenetics, part of Exact Sciences
Classification: Likely benign for NOTCH3-related condition. Last evaluated: 2021-08-16. Review status: no assertion criteria provided. Collection method: clinical testing. Allele origin: germline. Not counted in ClinVar's aggregate classification.
Comment: This variant is classified as likely benign based on ACMG/AMP sequence variant interpretation guidelines (Richards et al. 2015 PMID: 25741868, with internal and published modifications).

NM_000435.3(NOTCH3):c.2652C>T (p.Cys884=)

Gene: NOTCH3 (notch receptor 3; minus strand). Cytogenetic location: 19p13.12.
Variant type: single nucleotide variant.
Coding change: c.2652C>T on transcript NM_000435.3 (MANE Select); coding-DNA position 2652, C replaced by T.
Protein change: p.Cys884=; no amino-acid change (cysteine 884 retained).
Molecular consequence: synonymous variant.
Genome position (GRCh38, 1-based): chr19:15,181,716, G>A on the plus strand (C>T on the coding strand, the complement: NOTCH3 is on the minus strand). VCF-style: chr19-15181716-G-A. GRCh37 (hg19) VCF-style: chr19-15292527-G-A.
Identifiers: ClinVar variation 995046 (VCV000995046.3), dbSNP rs767473898, ClinGen allele CA9263312.